The following is an entry in ClinVar:

NM_004959.5(NR5A1):c.206G>T (p.Arg69Leu)

Gene: NR5A1 (nuclear receptor subfamily 5 group A member 1; minus strand). Cytogenetic location: 9q33.3.
Variant type: single nucleotide variant.
Coding change: c.206G>T on transcript NM_004959.5 (MANE Select); coding-DNA position 206, G replaced by T.
Protein change: p.Arg69Leu; replaces arginine 69 with leucine.
Molecular consequence: missense variant.
Genome position (GRCh38, 1-based): chr9:124,503,117, C>A on the plus strand (G>T on the coding strand, the complement: NR5A1 is on the minus strand). VCF-style: chr9-124503117-C-A. GRCh37 (hg19) VCF-style: chr9-127265396-C-A.
Other names: short protein forms R69L.
Identifiers: ClinVar variation 4998759 (VCV004998759.1).

ClinVar aggregate classification (germline): Uncertain significance (1 of 4 stars; one submission).

Conditions:
NR5A1-related disorder. Also called: NR5A1-related condition.

gnomAD v4.1: 1 of 1,593,620 alleles (0.000063%); highest among the groups gnomAD compares: East Asian, 0.0023%; no homozygotes.

Submission:

PreventionGenetics, part of Exact Sciences
Classification: Uncertain significance for NR5A1-related condition. Last evaluated: 2025-04-18. Review status: criteria provided, single submitter. Criteria: ACMG Guidelines, 2015. Collection method: clinical testing. Allele origin: germline.
Comment: The NR5A1 c.206G>T variant is predicted to result in the amino acid substitution p.Arg69Leu. This variant has been reported to occur de novo in an individual with 46,XY disorders of sex development (Zidoune et al. 2022. PubMed ID: 36110220). This variant has not been reported in a large population database (gnomAD), indicating this variant is rare. A few other variants affecting the same amino acid (p.Arg69Gly, p.Arg69His, and p.Arg69Pro) have been reported in individuals with clitoromegaly or 46,XY DSD (Kim et al. 2017. PubMed ID: 28130116; Na et al. 2020. PubMed ID: 32738419; Damji et al. 2023. PubMed ID: 37185284), and have been classified as variant of uncertain significance in ClinVar. Although we suspect that this variant may be pathogenic, at this time, the clinical significance of this variant is uncertain due to the absence of conclusive functional and genetic evidence.